The following is an entry in ClinVar:

NM_001365999.1(SZT2):c.3530A>G (p.Asp1177Gly)

Gene: SZT2 (SZT2 subunit of KICSTOR complex; plus strand). Cytogenetic location: 1p34.2.
Variant type: single nucleotide variant.
Coding change: c.3530A>G on transcript NM_001365999.1 (MANE Select); coding-DNA position 3530, A replaced by G.
Protein change: p.Asp1177Gly; replaces aspartic acid 1177 with glycine.
Molecular consequence: missense variant.
Genome position (GRCh38, 1-based): chr1:43,427,377, A>G. VCF-style: chr1-43427377-A-G. GRCh37 (hg19) VCF-style: chr1-43893048-A-G.
Other names: c.3359A>G, p.Asp1120Gly (NM_015284.4); short protein forms D1120G, D1177G.
Identifiers: ClinVar variation 945433 (VCV000945433.12), dbSNP rs1653287379, ClinGen allele CA340018146.

ClinVar aggregate classification (germline): Uncertain significance. Review status: criteria provided, multiple submitters, no conflicts (2 of 4 stars). 3 submissions from 3 submitters: Uncertain significance (3). Last evaluated 2023-06-02.

Conditions:
Developmental and epileptic encephalopathy, 18 (DEE18). Also called: Early infantile epileptic encephalopathy 18. Identifiers: Orphanet 369894, MedGen C3809624, MONDO:0014201, OMIM 615476.
Inborn genetic diseases. Identifiers: MedGen C0950123, MeSH D030342.

Allele frequency attached by ClinVar (database versions not stated): gnomAD exomes below 0.00001.
gnomAD v4.1: 2 of 1,614,062 alleles (0.00012%); highest among the groups gnomAD compares: Non-Finnish European, 0.00017%; no homozygotes.

Submissions (3):

Ambry Genetics
Classification: Uncertain significance for Inborn genetic diseases. Last evaluated: 2023-06-02. Review status: criteria provided, single submitter. Criteria: Ambry Variant Classification Scheme 2023. Collection method: clinical testing. Allele origin: germline.

Genome-Nilou Lab
Classification: Uncertain significance for Developmental and epileptic encephalopathy, 18. Last evaluated: 2023-04-11. Review status: criteria provided, single submitter. Criteria: ACMG Guidelines, 2015. Collection method: clinical testing. Allele origin: germline. Affected: no.

Labcorp Genetics (formerly Invitae), Labcorp
Classification: Uncertain significance. Last evaluated: 2019-05-09. Review status: criteria provided, single submitter. Criteria: Invitae Variant Classification Sherloc (09022015). Collection method: clinical testing. Allele origin: germline.
Comment: In summary, this variant is a novel missense change with uncertain impact on protein function. It has been classified as a Variant of Uncertain Significance. Algorithms developed to predict the effect of missense changes on protein structure and function do not agree on the potential impact of this missense change (SIFT: "Tolerated"; PolyPhen-2: "Possibly Damaging"; Align-GVGD: "Class C0"). This variant is not present in population databases (ExAC no frequency) and has not been reported in the literature in individuals with an SZT2-related disease. This sequence change replaces aspartic acid with glycine at codon 1120 of the SZT2 protein (p.Asp1120Gly). The aspartic acid residue is highly conserved and there is a moderate physicochemical difference between aspartic acid and glycine.